The following is an entry in ClinVar:

NM_182914.3(SYNE2):c.4931C>T (p.Ala1644Val)

Gene: SYNE2 (spectrin repeat containing nuclear envelope protein 2; plus strand). Cytogenetic location: 14q23.2.
Variant type: single nucleotide variant.
Coding change: c.4931C>T on transcript NM_182914.3 (MANE Select); coding-DNA position 4931, C replaced by T.
Protein change: p.Ala1644Val; replaces alanine 1644 with valine.
Molecular consequence: missense variant.
Genome position (GRCh38, 1-based): chr14:64,017,638, C>T. VCF-style: chr14-64017638-C-T. GRCh37 (hg19) VCF-style: chr14-64484356-C-T.
Other names: c.4931C>T, p.Ala1644Val (NM_015180.6); short protein forms A1644V.
Identifiers: ClinVar variation 313510 (VCV000313510.16), dbSNP rs771776215, ClinGen allele CA7220356.

ClinVar aggregate classification (germline): Uncertain significance. Review status: criteria provided, multiple submitters, no conflicts (2 of 4 stars). 3 submissions from 3 submitters: Uncertain significance (3). Last evaluated 2025-06-18.

Conditions:
Emery-Dreifuss muscular dystrophy 5, autosomal dominant (EDMD5). Also called: EMERY-DREIFUSS MUSCULAR DYSTROPHY 5. Identifiers: Orphanet 261, MedGen C2751805, MONDO:0013072, OMIM 612999.

Allele frequency attached by ClinVar (database versions not stated): ExAC 0.00001; gnomAD 0.00002; gnomAD exomes 0.00002; TOPMed 0.00002.
gnomAD v4.1: 35 of 1,613,140 alleles (0.0022%); highest among the groups gnomAD compares: Non-Finnish European, 0.0029%; no homozygotes.

Submissions (3):

Ambry Genetics
Classification: Uncertain significance. Last evaluated: 2025-06-18. Review status: criteria provided, single submitter. Criteria: Ambry Variant Classification Scheme 2023. Collection method: clinical testing. Allele origin: germline.

Labcorp Genetics (formerly Invitae), Labcorp
Classification: Uncertain significance for Emery-Dreifuss muscular dystrophy 5, autosomal dominant. Last evaluated: 2022-06-04. Review status: criteria provided, single submitter. Criteria: Invitae Variant Classification Sherloc (09022015). Collection method: clinical testing. Allele origin: germline.
Comment: In summary, the available evidence is currently insufficient to determine the role of this variant in disease. Therefore, it has been classified as a Variant of Uncertain Significance. This sequence change replaces alanine, which is neutral and non-polar, with valine, which is neutral and non-polar, at codon 1644 of the SYNE2 protein (p.Ala1644Val). This variant is present in population databases (rs771776215, gnomAD 0.004%). This variant has not been reported in the literature in individuals affected with SYNE2-related conditions. ClinVar contains an entry for this variant (Variation ID: 313510). Algorithms developed to predict the effect of missense changes on protein structure and function are either unavailable or do not agree on the potential impact of this missense change (SIFT: "Tolerated"; PolyPhen-2: "Probably Damaging"; Align-GVGD: "Class C0").

Illumina Laboratory Services, Illumina
Classification: Uncertain significance for Emery-Dreifuss muscular dystrophy 5, autosomal dominant. Last evaluated: 2018-01-13. Review status: criteria provided, single submitter. Criteria: ICSL Variant Classification Criteria 13 December 2019. Collection method: clinical testing. Allele origin: germline.